The following is an entry in ClinVar:

NM_003640.5(ELP1):c.3932-185G>A

Gene: ELP1 (elongator acetyltransferase complex subunit 1; minus strand). Cytogenetic location: 9q31.3.
Variant type: single nucleotide variant.
Coding change: c.3932-185G>A on transcript NM_003640.5 (MANE Select); 185 bases into the intron before coding-DNA position 3932, G replaced by A.
Molecular consequence: intron variant.
Genome position (GRCh38, 1-based): chr9:108,869,367, C>T on the plus strand (G>A on the coding strand, the complement: ELP1 is on the minus strand). VCF-style: chr9-108869367-C-T. GRCh37 (hg19) VCF-style: chr9-111631647-C-T.
Other names: NC_000009.11:g.111631647C>T; c.3590-185G>A (NM_001318360.2); c.2885-185G>A (NM_001330749.2).
Identifiers: ClinVar variation 681916 (VCV000681916.3), dbSNP rs3763644, ClinGen allele CA15601965.

ClinVar aggregate classification (germline): Benign. Review status: criteria provided, multiple submitters, no conflicts (2 of 4 stars). 2 submissions from 2 submitters: Benign (2). Last evaluated 2018-06-19.

Allele frequency attached by ClinVar (database versions not stated): gnomAD 0.62395 and 0.62610; 1000 Genomes Project 0.66534; TOPMed 0.63069; 1000 Genomes Project 30x 0.67146.
gnomAD v4.1: 94,608 of 151,948 alleles (62%); highest among the groups gnomAD compares: African/African-American, 88%; 31,428 homozygotes.

Submissions (3):

GeneDx
Classification: Benign. Last evaluated: 2018-06-19. Review status: criteria provided, single submitter. Criteria: GeneDx Variant Classification (06012015). Collection method: clinical testing. Allele origin: germline. Affected: yes.
Comment: This variant is considered likely benign or benign based on one or more of the following criteria: it is a conservative change, it occurs at a poorly conserved position in the protein, it is predicted to be benign by multiple in silico algorithms, and/or has population frequency not consistent with disease.

Breakthrough Genomics
Classification: Benign. Review status: criteria provided, single submitter. Criteria: ACMG Guidelines, 2015. Collection method: not provided. Allele origin: germline. Inheritance: Autosomal recessive inheritance. Affected: yes.

Dr. Peter K. Rogan Lab, Western University
No classification provided (evidence only). Condition: Malignant lymphoma, large B-cell, diffuse. Review status: no classification provided. Collection method: in vitro. Allele origin: not applicable. Functional consequence: retained intron. Not counted in ClinVar's aggregate classification.